The following is an entry in ClinVar:

NM_001039660.2(IL18BP):c.233T>A (p.Leu78Gln)

Gene: IL18BP (interleukin 18 binding protein; plus strand). Cytogenetic location: 11q13.4.
Variant type: single nucleotide variant.
Coding change: c.233T>A on transcript NM_001039660.2 (MANE Select); coding-DNA position 233, T replaced by A.
Protein change: p.Leu78Gln; replaces leucine 78 with glutamine.
Molecular consequence: missense variant.
Genome position (GRCh38, 1-based): chr11:72,000,555, T>A. VCF-style: chr11-72000555-T-A. GRCh37 (hg19) VCF-style: chr11-71711601-T-A.
Other names: c.233T>A, p.Leu78Gln (NM_001039659.2, NM_001145055.1, NM_001145057.1 and 3 more transcripts); short protein forms L78Q.
Identifiers: ClinVar variation 2085957 (VCV002085957.4), dbSNP rs2495830001, ClinGen allele CA381721033.

ClinVar aggregate classification (germline): Uncertain significance (1 of 4 stars; one submission).

gnomAD v4.1: 1 of 1,609,236 alleles (0.000062%); highest among the groups gnomAD compares: African/African-American, 0.0013%; no homozygotes.

Submission:

Labcorp Genetics (formerly Invitae), Labcorp
Classification: Uncertain significance. Last evaluated: 2024-02-19. Review status: criteria provided, single submitter. Criteria: Invitae Variant Classification Sherloc (09022015). Collection method: clinical testing. Allele origin: germline.
Comment: This sequence change replaces leucine, which is neutral and non-polar, with glutamine, which is neutral and polar, at codon 78 of the IL18BP protein (p.Leu78Gln). This variant is not present in population databases (gnomAD no frequency). This variant has not been reported in the literature in individuals affected with IL18BP-related conditions. ClinVar contains an entry for this variant (Variation ID: 2085957). An algorithm developed to predict the effect of missense changes on protein structure and function (PolyPhen-2) suggests that this variant is likely to be disruptive. In summary, the available evidence is currently insufficient to determine the role of this variant in disease. Therefore, it has been classified as a Variant of Uncertain Significance.